The following is an entry in ClinVar:

NM_001256715.2(DNAAF3):c.182T>C (p.Leu61Pro)

Genes: DNAAF3 (dynein axonemal assembly factor 3; minus strand), DNAAF3-AS1 (DNAAF3 antisense RNA 1; plus strand). Cytogenetic location: 19q13.42.
Variant type: single nucleotide variant.
Coding change: c.182T>C on transcript NM_001256715.2 (MANE Select); coding-DNA position 182, T replaced by C.
Protein change: p.Leu61Pro; replaces leucine 61 with proline.
Molecular consequence: missense variant. On other transcripts: 5 prime UTR variant (1).
Genome position (GRCh38, 1-based): chr19:55,165,904, A>G on the plus strand (T>C on the coding strand, the complement: DNAAF3 is on the minus strand). VCF-style: chr19-55165904-A-G. GRCh37 (hg19) VCF-style: chr19-55677272-A-G.
Other names: c.386T>C, p.Leu129Pro (NM_001256714.1); c.-57T>C (NM_001256716.2); c.323T>C, p.Leu108Pro (NM_178837.4); short protein forms L108P, L129P, L61P.
Identifiers: ClinVar variation 31532 (VCV000031532.3), dbSNP rs387907151, ClinGen allele CA025062.

ClinVar aggregate classification (germline): Pathogenic. Review status: criteria provided, single submitter (1 of 4 stars). 2 submissions from 2 submitters: Pathogenic (1). 1 of the submissions does not count toward it. Last evaluated 2024-09-05.

Conditions:
Primary ciliary dyskinesia 2. Also called: CILIARY DYSKINESIA, PRIMARY, 2, WITH OR WITHOUT SITUS INVERSUS. Identifiers: Orphanet 244, MedGen C1847554, MONDO:0011718, OMIM 606763.

Allele frequency attached by ClinVar (database versions not stated): gnomAD exomes below 0.00001.
gnomAD v4.1: 1 of 1,614,208 alleles (0.000062%); highest among the groups gnomAD compares: Non-Finnish European, 0.000085%; no homozygotes.

Submissions (2):

Genomics, Clalit Research Institute, Clalit Health Care
Classification: Pathogenic for Primary ciliary dyskinesia 2. Last evaluated: 2024-09-05. Review status: criteria provided, single submitter. Criteria: ACMG Guidelines, 2015. Collection method: clinical testing. Allele origin: germline. Inheritance: Autosomal recessive inheritance. Affected: yes. Observed: 1 homozygote.
Comment: Inheritance: The variant was identified in the Homozygous state in the sample. Frequency: The variant is absent from the gnomAD reference population dataset. Allelic data: This variant was previously reported in a homozgote state (PMID:22387996). Frequency among cases: This variant was identified in homozygous state in several PCD individuals from the Bedouin subpopulation. Segregation: The variant is segregate with disease in multiple affected family members in a gene definitively known to cause disease (PMID:22387996). Prediction tools: REVEL predicts an uncertain impact on the gene or gene product (score 0.42). Clinical evidence: This variant has previously been described in ClinVar (VCV31532) with the following classifications: P (1).

OMIM
Classification: Pathogenic for CILIARY DYSKINESIA, PRIMARY, 2. Last evaluated: 2012-03-04. Review status: no assertion criteria provided. Collection method: literature only. Allele origin: germline. Not counted in ClinVar's aggregate classification.

Literature cited by the submitters: PubMed 10745040 (cited by OMIM); PubMed 22387996 (cited by OMIM).